The following is an entry in ClinVar:

ClinVar aggregate classification (germline): Likely pathogenic (1 of 4 stars; one submission).

Conditions:
Polycystic kidney disease, adult type (PKD1). Also called: POLYCYSTIC KIDNEY DISEASE, ADULT, TYPE I; Polycystic Kidney Disease 1, Autosomal Dominant; Polycystic kidney disease 1; Polycystic kidney disease 1, severe; Polycystic Kidney, Autosomal Dominant; POLYCYSTIC KIDNEY DISEASE 1 WITH OR WITHOUT POLYCYSTIC LIVER DISEASE. Identifiers: MedGen C3149841, MONDO:0008263, OMIM 173900.

Submission:

Victorian Clinical Genetics Services, Murdoch Childrens Research Institute
Classification: Likely pathogenic for Polycystic kidney disease, adult type. Last evaluated: 2024-10-08. Review status: criteria provided, single submitter. Criteria: ACMG Guidelines, 2015. Collection method: clinical testing. Allele origin: germline. Inheritance: Autosomal dominant inheritance. Affected: yes.
Comment: Based on the classification scheme VCGS_Germline_v1.3.4, this variant is classified as Likely pathogenic. Following criteria are met: 0102 - Loss of function is a known mechanism of disease in this gene and is associated with polycystic kidney disease 1 (MIM#173900). (I) 0107 - This gene is associated with autosomal dominant disease. Polycystic kidney disease 1 (MIM#173900) is predominantly caused by monoallelic variants, with rare reports of biallelic variants causing disease (OMIM). (I) 0213 - In-frame insertion/deletion in a non-repetitive region that has high conservation. (SP) 0251 - This variant is heterozygous. (I) 0301 - Variant is absent from gnomAD (both v2 and v3). (SP) 0600 - Variant overlaps the annotated N-linked glycosylation site at amino acid residue 1010 (DECIPHER). (I) 0704 - Another in-frame deletion variant comparable to the one identified in this case has limited previous evidence for pathogenicity. p.(Tyr1009del) has been reported in two individuals with ADPKD and was classified as likely pathogenic (PMID: 22508176). (SP) 0808 - Previous reports of pathogenicity for this variant are conflicting. The same six amino acid deletion, p.(Asn1008_Val2013Val), has been reported as a VUS by a clinical laboratory in ClinVar, and as likely pathogenic in an individual with bilateral renal cysts and proteinuria (PMIDs: 29801666, 33532864). (I) 0905 - No published segregation evidence has been identified for this variant. (I) 1007 - No published functional evidence has been identified for this variant. (I) 1208 - Inheritance information for this variant is not currently available in this individual. (I) Legend: (SP) - Supporting pathogenic, (I) - Information, (SB) - Supporting benign

Literature cited by the submitters: PubMed 22508176; PubMed 29801666; PubMed 33532864.

NM_001009944.3(PKD1):c.3015_3032del (p.Asn1008_Val1013del)

Gene: PKD1 (polycystin 1, transient receptor potential channel interacting; minus strand). Cytogenetic location: 16p13.3.
Variant type: Deletion.
Coding change: c.3015_3032del on transcript NM_001009944.3 (MANE Select); coding-DNA positions 3015 to 3032, 18 bases deleted (CACCGTGAACTACAACGT).
Protein change: p.Asn1008_Val1013del.
Molecular consequence: inframe indel (on NM_001009944.2).
Genome position (GRCh38, 1-based): chr16:2,112,917-2,112,934, ACGTTGTAGTTCACGGTG deleted on the plus strand (CACCGTGAACTACAACGT on the coding strand, the reverse complement: PKD1 is on the minus strand); deleting any 18 consecutive bases within chr16:2,112,917-2,112,940 gives the same sequence; the c. name uses the placement nearest the transcript's 3' end. VCF-style (leftmost placement, unchanged base first): chr16-2112916-TACGTTGTAGTTCACGGTG-T. GRCh37 (hg19) VCF-style: chr16-2162917-TACGTTGTAGTTCACGGTG-T.
Other names: c.3015_3032del, p.Asn1008_Val1013del (NM_000296.4); c.3009_3026del18, p.Asn1008_Val1013del (NM_001009944.2).
Identifiers: ClinVar variation 3376961 (VCV003376961.1).